The following is an entry in ClinVar:

ClinVar aggregate classification (germline): Uncertain significance (1 of 4 stars; one submission).

Submission:

Ambry Genetics
Classification: Uncertain significance. Last evaluated: 2022-09-25. Review status: criteria provided, single submitter. Criteria: Ambry Variant Classification Scheme 2023. Collection method: clinical testing. Allele origin: germline.
Comment: The p.M264V variant (also known as c.790A>G), located in coding exon 6 of the POLQ gene, results from an A to G substitution at nucleotide position 790. The methionine at codon 264 is replaced by valine, an amino acid with highly similar properties. This amino acid position is conserved. In addition, the in silico prediction for this alteration is inconclusive. Since supporting evidence is limited at this time, the clinical significance of this alteration remains unclear.

NM_199420.4(POLQ):c.790A>G (p.Met264Val)

Gene: POLQ (DNA polymerase theta; minus strand). Cytogenetic location: 3q13.33.
Variant type: single nucleotide variant.
Coding change: c.790A>G on transcript NM_199420.4 (MANE Select); coding-DNA position 790, A replaced by G.
Protein change: p.Met264Val; replaces methionine 264 with valine.
Molecular consequence: missense variant.
Genome position (GRCh38, 1-based): chr3:121,533,160, T>C on the plus strand (A>G on the coding strand, the complement: POLQ is on the minus strand). VCF-style: chr3-121533160-T-C. GRCh37 (hg19) VCF-style: chr3-121252007-T-C.
Other names: short protein forms M264V.
Identifiers: ClinVar variation 1761165 (VCV001761165.2), dbSNP rs2546819750, ClinGen allele CA354126660.